The following is an entry in ClinVar:

ClinVar aggregate classification (germline): Uncertain significance (1 of 4 stars; one submission).

Conditions:
Rubinstein-Taybi syndrome (RSTS). Identifiers: Orphanet 783, MedGen C0035934, MONDO:0019188.

gnomAD v4.1: 1 of 1,529,574 alleles (0.000065%); highest among the groups gnomAD compares: Non-Finnish European, 0.000087%; no homozygotes.

Submission:

Labcorp Genetics (formerly Invitae), Labcorp
Classification: Uncertain significance for Rubinstein-Taybi syndrome. Last evaluated: 2023-07-02. Review status: criteria provided, single submitter. Criteria: Invitae Variant Classification Sherloc (09022015). Collection method: clinical testing. Allele origin: germline.
Comment: In summary, the available evidence is currently insufficient to determine the role of this variant in disease. Therefore, it has been classified as a Variant of Uncertain Significance. Advanced modeling of protein sequence and biophysical properties (such as structural, functional, and spatial information, amino acid conservation, physicochemical variation, residue mobility, and thermodynamic stability) performed at Invitae indicates that this missense variant is not expected to disrupt CREBBP protein function. This variant has not been reported in the literature in individuals affected with CREBBP-related conditions. This variant is not present in population databases (gnomAD no frequency). This sequence change replaces proline, which is neutral and non-polar, with threonine, which is neutral and polar, at codon 1947 of the CREBBP protein (p.Pro1947Thr).

NM_004380.3(CREBBP):c.5839C>A (p.Pro1947Thr)

Gene: CREBBP (CREB binding lysine acetyltransferase; minus strand). Cytogenetic location: 16p13.3.
Variant type: single nucleotide variant.
Coding change: c.5839C>A on transcript NM_004380.3 (MANE Select); coding-DNA position 5839, C replaced by A.
Protein change: p.Pro1947Thr; replaces proline 1947 with threonine.
Molecular consequence: missense variant.
Genome position (GRCh38, 1-based): chr16:3,729,208, G>T on the plus strand (C>A on the coding strand, the complement: CREBBP is on the minus strand). VCF-style: chr16-3729208-G-T. GRCh37 (hg19) VCF-style: chr16-3779209-G-T.
Other names: c.5725C>A, p.Pro1909Thr (NM_001079846.1); short protein forms P1947T, P1909T.
Identifiers: ClinVar variation 2820310 (VCV002820310.3), dbSNP rs577591403, ClinGen allele CA394555282.